The following is an entry in ClinVar:

NM_020117.11(LARS1):c.1504-242T>C

Gene: LARS1 (leucyl-tRNA synthetase 1; minus strand). Cytogenetic location: 5q32.
Variant type: single nucleotide variant.
Coding change: c.1504-242T>C on transcript NM_020117.11 (MANE Select); 242 bases into the intron before coding-DNA position 1504, T replaced by C.
Molecular consequence: intron variant.
Genome position (GRCh38, 1-based): chr5:146,144,951, A>G on the plus strand (T>C on the coding strand, the complement: LARS1 is on the minus strand). VCF-style: chr5-146144951-A-G. GRCh37 (hg19) VCF-style: chr5-145524514-A-G.
Other names: c.1342-242T>C (NM_001317965.2); c.1423-242T>C (NM_016460.4); c.1366-242T>C (NM_001317964.2).
Identifiers: ClinVar variation 684157 (VCV000684157.1), dbSNP rs2939521, ClinGen allele CA128845328.

ClinVar aggregate classification (germline): Benign (1 of 4 stars; one submission).

Allele frequency attached by ClinVar (database versions not stated): TOPMed 0.96331; gnomAD 0.96539 and 0.96760; 1000 Genomes Project 30x 0.96596; 1000 Genomes Project 0.96785.
gnomAD v4.1: 147,322 of 152,210 alleles (97%); highest among the groups gnomAD compares: East Asian, 100%; 71,480 homozygotes.

Submission:

GeneDx
Classification: Benign. Last evaluated: 2018-06-14. Review status: criteria provided, single submitter. Criteria: GeneDx Variant Classification (06012015). Collection method: clinical testing. Allele origin: germline. Affected: yes.
Comment: This variant is considered likely benign or benign based on one or more of the following criteria: it is a conservative change, it occurs at a poorly conserved position in the protein, it is predicted to be benign by multiple in silico algorithms, and/or has population frequency not consistent with disease.